The following is an entry in ClinVar:

ClinVar aggregate classification (germline): Uncertain significance (1 of 4 stars; one submission).

Submission:

Labcorp Genetics (formerly Invitae), Labcorp
Classification: Uncertain significance. Last evaluated: 2024-12-03. Review status: criteria provided, single submitter. Criteria: Invitae Variant Classification Sherloc (09022015). Collection method: clinical testing. Allele origin: germline.
Comment: This sequence change replaces threonine, which is neutral and polar, with alanine, which is neutral and non-polar, at codon 652 of the DSG1 protein (p.Thr652Ala). This variant is not present in population databases (gnomAD no frequency). This variant has not been reported in the literature in individuals affected with DSG1-related conditions. Invitae Evidence Modeling of protein sequence and biophysical properties (such as structural, functional, and spatial information, amino acid conservation, physicochemical variation, residue mobility, and thermodynamic stability) indicates that this missense variant is not expected to disrupt DSG1 protein function with a negative predictive value of 80%. In summary, the available evidence is currently insufficient to determine the role of this variant in disease. Therefore, it has been classified as a Variant of Uncertain Significance.

NM_001942.4(DSG1):c.1954A>G (p.Thr652Ala)

Genes: DSG1 (desmoglein 1; plus strand), DSG1-AS1 (DSG1 antisense RNA 1; minus strand). Cytogenetic location: 18q12.1.
Variant type: single nucleotide variant.
Coding change: c.1954A>G on transcript NM_001942.4 (MANE Select); coding-DNA position 1954, A replaced by G.
Protein change: p.Thr652Ala; replaces threonine 652 with alanine.
Molecular consequence: missense variant.
Genome position (GRCh38, 1-based): chr18:31,346,052, A>G. VCF-style: chr18-31346052-A-G. GRCh37 (hg19) VCF-style: chr18-28926015-A-G.
Other names: short protein forms T652A.
Identifiers: ClinVar variation 3637326 (VCV003637326.2).